The following is an entry in ClinVar:

NM_004656.4(BAP1):c.659+3A>G

Gene: BAP1 (BRCA1 associated deubiquitinase 1; minus strand). Cytogenetic location: 3p21.1.
Variant type: single nucleotide variant.
Coding change: c.659+3A>G on transcript NM_004656.4 (MANE Select); 3 bases into the intron after coding-DNA position 659, A replaced by G.
Molecular consequence: intron variant.
Genome position (GRCh38, 1-based): chr3:52,406,826, T>C on the plus strand (A>G on the coding strand, the complement: BAP1 is on the minus strand). VCF-style: chr3-52406826-T-C. GRCh37 (hg19) VCF-style: chr3-52440842-T-C.
Other names: c.659+3A>G (NM_004656.2).
Identifiers: ClinVar variation 2416372 (VCV002416372.9), dbSNP rs878854741, ClinGen allele CA2580070163.

ClinVar aggregate classification (germline): Uncertain significance. Review status: criteria provided, multiple submitters, no conflicts (2 of 4 stars). 2 submissions from 2 submitters: Uncertain significance (2). Last evaluated 2025-04-18.

Conditions:
Hereditary cancer-predisposing syndrome. Also called: Tumor predisposition; Hereditary Cancer Syndrome; Neoplastic Syndromes, Hereditary; Hereditary neoplastic syndrome. Identifiers: Orphanet 140162, MedGen C0027672, MeSH D009386, MONDO:0015356.
BAP1-related tumor predisposition syndrome (TPDS1). Also called: COMMON Syndrome; Tumor susceptibility linked to germline BAP1 mutations; BAP1 tumor predisposition syndrome; TUMOR PREDISPOSITION SYNDROME 1. Identifiers: Orphanet 289539, MedGen C3280492, MONDO:0013692, OMIM 614327.

Submissions (2):

Ambry Genetics
Classification: Uncertain significance for Hereditary cancer-predisposing syndrome. Last evaluated: 2025-04-18. Review status: criteria provided, single submitter. Criteria: Ambry Variant Classification Scheme 2023. Collection method: clinical testing. Allele origin: germline.
Comment: The c.659+3A>G intronic variant results from an A to G substitution 3 nucleotides after coding exon 8 in the BAP1 gene. This alteration was non-functional in a high throughput genome editing haploid cell survival functional assay (Waters AJ et al. Nat Genet, 2024 Jul;56:1434-1445). This nucleotide position is well conserved in available vertebrate species. In silico splice site analysis predicts that this alteration will not have any significant effect on splicing; however, direct evidence is insufficient at this time (Ambry internal data). Based on the available evidence, the clinical significance of this variant remains unclear.

Labcorp Genetics (formerly Invitae), Labcorp
Classification: Uncertain significance for BAP1-related tumor predisposition syndrome. Last evaluated: 2023-08-02. Review status: criteria provided, single submitter. Criteria: Invitae Variant Classification Sherloc (09022015). Collection method: clinical testing. Allele origin: germline.
Comment: ClinVar contains an entry for this variant (Variation ID: 2416372). In summary, the available evidence is currently insufficient to determine the role of this variant in disease. Therefore, it has been classified as a Variant of Uncertain Significance. Variants that disrupt the consensus splice site are a relatively common cause of aberrant splicing (PMID: 17576681, 9536098). Algorithms developed to predict the effect of sequence changes on RNA splicing suggest that this variant may create or strengthen a splice site. This variant has not been reported in the literature in individuals affected with BAP1-related conditions. This variant is not present in population databases (gnomAD no frequency). This sequence change falls in intron 8 of the BAP1 gene. It does not directly change the encoded amino acid sequence of the BAP1 protein. It affects a nucleotide within the consensus splice site.

Literature cited by the submitters: PubMed 38969833 (cited by Ambry Genetics); PubMed 17576681 (cited by Labcorp Genetics (formerly Invitae), Labcorp); PubMed 9536098 (cited by Labcorp Genetics (formerly Invitae), Labcorp).